The following is an entry in ClinVar:

NM_058195.4(CDKN2A):c.28C>G (p.Arg10Gly)

Gene: CDKN2A (cyclin dependent kinase inhibitor 2A; minus strand). Cytogenetic location: 9p21.3.
Variant type: single nucleotide variant.
Coding change: c.28C>G on transcript NM_058195.4 (MANE Plus Clinical); coding-DNA position 28, C replaced by G.
Protein change: p.Arg10Gly; replaces arginine 10 with glycine.
Molecular consequence: missense variant. On other transcripts: intron variant (1).
Genome position (GRCh38, 1-based): chr9:21,994,304, G>C on the plus strand (C>G on the coding strand, the complement: CDKN2A is on the minus strand). VCF-style: chr9-21994304-G-C. GRCh37 (hg19) VCF-style: chr9-21994303-G-C.
Other names: c.-4+517C>G (NM_001363763.2); short protein forms R10G.
Identifiers: ClinVar variation 532275 (VCV000532275.8), dbSNP rs1554659242, ClinGen allele CA373087085.
Genomic context (GRCh38, chr9:21,994,304, plus strand): 5'-GCCGCGGGATGTGAACCACGAAAACCCTCACTCGCGGCGGGCCGCACGCGCGCCGAATCC[G>C]GAGGGTCACCAAGAACCTGCGCACCATGTTCTCGCCGCCTCCAGGGCCGAGCTCGGCAGC-3'
Protein context (NP_478102.2, residues 1-20): MVRRFLVTL[Arg10Gly]IRRACGPPRV

ClinVar aggregate classification (germline): Uncertain significance. Review status: criteria provided, multiple submitters, no conflicts (2 of 4 stars). 3 submissions from 3 submitters: Uncertain significance (3). Last evaluated 2025-07-15.

Conditions:
Hereditary cancer-predisposing syndrome. Also called: Hereditary Cancer Syndrome; Neoplastic Syndromes, Hereditary; Tumor predisposition; Hereditary neoplastic syndrome. Identifiers: Orphanet 140162, MedGen C0027672, MeSH D009386, MONDO:0015356.
Familial melanoma. Also called: Hereditary melanoma; Hereditary cutaneous melanoma. Identifiers: Orphanet 618, MedGen C1512419, MONDO:0018961.

Allele frequency attached by ClinVar (database versions not stated): gnomAD exomes below 0.00001.
gnomAD v4.1: 2 of 1,604,840 alleles (0.00012%); highest among the groups gnomAD compares: South Asian, 0.0011%; no homozygotes.

Submissions (3):

Ambry Genetics
Classification: Uncertain significance for Hereditary cancer-predisposing syndrome. Last evaluated: 2025-07-15. Review status: criteria provided, single submitter. Criteria: Ambry Variant Classification Scheme 2023. Collection method: clinical testing. Allele origin: germline.
Comment: The p.R10G variant (also known as c.28C>G), located in coding exon 1 of the CDKN2A (p14ARF) gene, results from a C to G substitution at nucleotide position 28. The arginine at codon 10 is replaced by glycine, an amino acid with dissimilar properties. This amino acid position is highly conserved in available vertebrate species. Based on the available evidence, the clinical significance of this alteration remains unclear.

GeneDx
Classification: Uncertain significance. Last evaluated: 2023-07-27. Review status: criteria provided, single submitter. Criteria: GeneDx Variant Classification Process June 2021. Collection method: clinical testing. Allele origin: germline. Affected: yes.
Comment: Not observed at significant frequency in large population cohorts (gnomAD); In silico analysis supports that this missense variant has a deleterious effect on protein structure/function; Has not been previously published as pathogenic or benign to our knowledge; This variant is associated with the following publications: (PMID: 31419753, 35446184, 9653180, 9529249, 16173922)

Labcorp Genetics (formerly Invitae), Labcorp
Classification: Uncertain significance for Familial melanoma. Last evaluated: 2021-07-14. Review status: criteria provided, single submitter. Criteria: Invitae Variant Classification Sherloc (09022015). Collection method: clinical testing. Allele origin: germline.

Literature cited by the submitters: PubMed 31419753 (cited by Ambry Genetics).